The following is an entry in ClinVar:

NC_000013.11:g.(?_31200065)_(31286839_?)dup

Gene: B3GLCT (beta 3-glucosyltransferase; plus strand). Cytogenetic location: 13q12.3.
Variant type: Duplication.
Identifiers: ClinVar variation 832053 (VCV000832053.1).

ClinVar aggregate classification (germline): Uncertain significance (1 of 4 stars; one submission).

Conditions:
Peters plus syndrome. Also called: KRAUSE-KIVLIN SYNDROME. Identifiers: Orphanet 709, MedGen C0796012, MONDO:0009856, OMIM 261540.

Submission:

Labcorp Genetics (formerly Invitae), Labcorp
Classification: Uncertain significance for Peters plus syndrome. Last evaluated: 2019-02-13. Review status: criteria provided, single submitter. Criteria: Invitae Variant Classification Sherloc (09022015). Collection method: clinical testing. Allele origin: germline.
Comment: This variant results in a copy number gain of the genomic region encompassing exons 1-12 of the B3GLCT gene. The 5' end of this event is unknown as it extends beyond the assayed region for this gene and therefore may encompass additional genes. The 3' boundary is likely confined to intron 12 of the B3GLCT gene. As the precise location of this event is unknown, it may be in tandem or it may be located elsewhere in the genome. This variant has not been reported in the literature in individuals with B3GLCT-related conditions. Experimental studies and prediction algorithms are not available for this variant, and the functional significance of the affected amino acid(s) is currently unknown. In summary, the available evidence is currently insufficient to determine the role of this variant in disease. Therefore, it has been classified as a Variant of Uncertain Significance.